The following is an entry in ClinVar:

ClinVar aggregate classification (germline): Conflicting classifications of pathogenicity. Review status: criteria provided, conflicting classifications (1 of 4 stars). 2 submissions from 2 submitters: Likely pathogenic (1); Uncertain significance (1). Last evaluated 2025-11-07.

Conditions:
Developmental and epileptic encephalopathy, 9 (DEE9). Also called: PCDH19-Related X-Linked Female-Limited Epilepsy with Mental Retardation; JUBERG-HELLMAN SYNDROME; EPILEPSY, FEMALE-RESTRICTED, WITH MENTAL RETARDATION; Early infantile epileptic encephalopathy 9. Identifiers: Orphanet 101039, Orphanet 2076, MedGen C1848137, MONDO:0010246, OMIM 300088. Disease mechanism: loss of function.

Submissions (2):

3billion
Classification: Uncertain significance for Developmental and epileptic encephalopathy, 9. Last evaluated: 2025-11-07. Review status: criteria provided, single submitter. Criteria: ACMG Guidelines, 2015. Collection method: clinical testing. Allele origin: germline. Affected: yes.
Comment: The variant is not observed in the gnomAD v4.1.0 dataset. Predicted Consequence/Location: Missense variant In silico tool predictions suggest damaging effect of the variant on gene or gene product [REVEL: 0.83 (>=0.6, sensitivity 0.68 and specificity 0.92)]. The same nucleotide change resulting in the same amino acid change has been previously reported to be associated with PCDH19-related disorder (ClinVar ID: VCV000206332 /PMID: 29655203).Different missense changes at the same codon (p.Pro451Gln, p.Pro451Leu) have been reported to be associated with PCDH19-related disorder (ClinVar ID: VCV002138630 /PMID: 26765483, 33262389). However the evidence of pathogenicity is insufficient at this time. Therefore, this variant is classified as VUS according to the recommendation of ACMG/AMP guideline.

GeneDx
Classification: Likely pathogenic. Last evaluated: 2012-12-13. Review status: criteria provided, single submitter. Criteria: GeneDx Variant Classification (06012015). Collection method: clinical testing. Allele origin: germline. Affected: yes.
Comment: This variant is denoted p.Pro451Ser (CCG>TCG): c.1351 C>T in exon 1 of the PCDH19 gene (NM_001105243.1). The Pro451Ser missense change has not been published as a mutation, nor has it been reported as a benign polymorphism to our knowledge. The NHLBI ESP Exome Variant Project has not identified Pro451Ser in approximately 6,300 individuals of European or African American ethnicity, indicating that it is not a common benign variant in these populations. The amino acid substitution is non-conservative as a non-polar Proline residue is replaced by a polar Serine residue and the loss of a Proline may affected the secondary structure of the protocadherin 19 protein. Pro451Ser alters a highly conserved position within an extracellular cadherin repeat domain of the protein where other missense mutations in this domain have been published in association with epilepsy (Dibbens et al., 2008; Specchio et al., 2011). In addition, multiple in-silico algorithms predict it may be damaging to the structure/function of the protein. Therefore, based on the currently available information, Pro451Ser is a strong candidate for a disease-causing mutation, although the possibility that it is a benign variant cannot be excluded. The variant is found in INFANT-EPI panel(s).

Literature cited by the submitters: PubMed 26765483 (cited by 3billion); PubMed 29655203 (cited by 3billion).

NM_001184880.2(PCDH19):c.1351C>T (p.Pro451Ser)

Gene: PCDH19 (protocadherin 19; minus strand). Cytogenetic location: Xq22.1.
Variant type: single nucleotide variant.
Coding change: c.1351C>T on transcript NM_001184880.2 (MANE Select); coding-DNA position 1351, C replaced by T.
Protein change: p.Pro451Ser; replaces proline 451 with serine.
Molecular consequence: missense variant.
Genome position (GRCh38, 1-based): chrX:100,407,247, G>A on the plus strand (C>T on the coding strand, the complement: PCDH19 is on the minus strand). VCF-style: chrX-100407247-G-A. GRCh37 (hg19) VCF-style: chrX-99662245-G-A.
Other names: p.P451S:CCG>TCG; c.1351C>T, p.Pro451Ser (NM_001105243.2, NM_020766.3); short protein forms P451S.
Identifiers: ClinVar variation 206332 (VCV000206332.3), dbSNP rs796052816, ClinGen allele CA316351.